The following is an entry in ClinVar:

ClinVar aggregate classification (germline): Pathogenic (1 of 4 stars; one submission).

Conditions:
Maple syrup urine disease (MSUD). Identifiers: Orphanet 511, MedGen C0024776, MeSH D008375, MONDO:0009563. Disease mechanism: loss of function.

Allele frequency attached by ClinVar (database versions not stated): gnomAD exomes below 0.00001.

Submission:

Labcorp Genetics (formerly Invitae), Labcorp
Classification: Pathogenic for Maple syrup urine disease. Last evaluated: 2024-02-22. Review status: criteria provided, single submitter. Criteria: Invitae Variant Classification Sherloc (09022015). Collection method: clinical testing. Allele origin: germline.
Comment: This sequence change creates a premature translational stop signal (p.Arg118Lysfs*4) in the BCKDHB gene. It is expected to result in an absent or disrupted protein product. Loss-of-function variants in BCKDHB are known to be pathogenic (PMID: 16786533, 22593002). This variant is not present in population databases (gnomAD no frequency). This variant has not been reported in the literature in individuals affected with BCKDHB-related conditions. ClinVar contains an entry for this variant (Variation ID: 1947506). For these reasons, this variant has been classified as Pathogenic.

Literature cited by the submitters: PubMed 16786533; PubMed 22593002.

NM_183050.4(BCKDHB):c.352dup (p.Arg118fs)

Gene: BCKDHB (branched chain keto acid dehydrogenase E1 subunit beta; plus strand). Cytogenetic location: 6q14.1.
Variant type: Duplication.
Coding change: c.352dup on transcript NM_183050.4 (MANE Select); coding-DNA position 352, one base duplicated (A; older notation c.352dupA).
Protein change: p.Arg118fs; shifts the reading frame from arginine 118.
Molecular consequence: frameshift variant. On other transcripts: non-coding transcript variant (1).
Genome position (GRCh38, 1-based): chr6:80,167,686, A duplicated. VCF-style (leftmost placement, unchanged base first): chr6-80167685-T-TA. GRCh37 (hg19) VCF-style: chr6-80877402-T-TA.
Other names: c.352dup, p.Arg118fs (NM_000056.5); c.142dup, p.Arg48fs (NM_001318975.1); short protein forms R118fs, R48fs.
Identifiers: ClinVar variation 1947506 (VCV001947506.8), dbSNP rs1562102601, ClinGen allele CA915326774.